The following is an entry in ClinVar:

NM_001042492.3(NF1):c.5627T>A (p.Leu1876His)

Gene: NF1 (neurofibromin 1; plus strand). Cytogenetic location: 17q11.2.
Variant type: single nucleotide variant.
Coding change: c.5627T>A on transcript NM_001042492.3 (MANE Select); coding-DNA position 5627, T replaced by A.
Protein change: p.Leu1876His; replaces leucine 1876 with histidine.
Molecular consequence: missense variant.
Genome position (GRCh38, 1-based): chr17:31,330,313, T>A. VCF-style: chr17-31330313-T-A. GRCh37 (hg19) VCF-style: chr17-29657331-T-A.
Other names: c.5564T>A, p.Leu1855His (NM_000267.4); short protein forms L1855H, L1876H.
Identifiers: ClinVar variation 3237837 (VCV003237837.1), dbSNP rs2508717737.

ClinVar aggregate classification (germline): Uncertain significance (1 of 4 stars; one submission).

Conditions:
Hereditary cancer-predisposing syndrome. Also called: Neoplastic Syndromes, Hereditary; Tumor predisposition; Hereditary neoplastic syndrome; Hereditary Cancer Syndrome. Identifiers: Orphanet 140162, MedGen C0027672, MeSH D009386, MONDO:0015356.
Cardiovascular phenotype. Identifiers: MedGen CN230736.

Submission:

Ambry Genetics
Classification: Uncertain significance for Cardiovascular phenotype; Hereditary cancer-predisposing syndrome. Last evaluated: 2023-10-10. Review status: criteria provided, single submitter. Criteria: Ambry Variant Classification Scheme 2023. Collection method: clinical testing. Allele origin: germline.
Comment: The p.L1855H variant (also known as c.5564T>A), located in coding exon 38 of the NF1 gene, results from a T to A substitution at nucleotide position 5564. The leucine at codon 1855 is replaced by histidine, an amino acid with similar properties. This amino acid position is conserved. In addition, this alteration is predicted to be deleterious by in silico analysis. Since supporting evidence is limited at this time, the clinical significance of this alteration remains unclear.